The following is an entry in ClinVar:

NM_006939.4(SOS2):c.1852+285G>A

Gene: SOS2 (SOS Ras/Rho guanine nucleotide exchange factor 2; minus strand). Cytogenetic location: 14q21.3.
Variant type: single nucleotide variant.
Coding change: c.1852+285G>A on transcript NM_006939.4 (MANE Select); 285 bases into the intron after coding-DNA position 1852, G replaced by A.
Molecular consequence: intron variant.
Genome position (GRCh38, 1-based): chr14:50,159,146, C>T on the plus strand (G>A on the coding strand, the complement: SOS2 is on the minus strand). VCF-style: chr14-50159146-C-T. GRCh37 (hg19) VCF-style: chr14-50625864-C-T.
Identifiers: ClinVar variation 561837 (VCV000561837.1), dbSNP rs61093617, ClinGen allele CA16489524.

ClinVar aggregate classification (germline): Benign (1 of 4 stars; one submission).

Allele frequency attached by ClinVar (database versions not stated): gnomAD 0.19002 and 0.19342; TOPMed 0.19590; 1000 Genomes Project 30x 0.24656; 1000 Genomes Project 0.24900.
gnomAD v4.1: 29,213 of 151,388 alleles (19%); highest among the groups gnomAD compares: East Asian, 44%; 2,980 homozygotes.

Submission:

GeneDx
Classification: Benign. Last evaluated: 2018-06-14. Review status: criteria provided, single submitter. Criteria: GeneDx Variant Classification (06012015). Collection method: clinical testing. Allele origin: germline. Affected: yes.
Comment: This variant is considered likely benign or benign based on one or more of the following criteria: it is a conservative change, it occurs at a poorly conserved position in the protein, it is predicted to be benign by multiple in silico algorithms, and/or has population frequency not consistent with disease.